The following is an entry in ClinVar:

ClinVar aggregate classification (germline): Uncertain significance (1 of 4 stars; one submission).

Allele frequency attached by ClinVar (database versions not stated): gnomAD exomes below 0.00001; TOPMed below 0.00001.
gnomAD v4.1: 2 of 1,614,014 alleles (0.00012%); highest among the groups gnomAD compares: Admixed American, 0.0033%; no homozygotes.

Submission:

Labcorp Genetics (formerly Invitae), Labcorp
Classification: Uncertain significance. Last evaluated: 2024-05-11. Review status: criteria provided, single submitter. Criteria: Invitae Variant Classification Sherloc (09022015). Collection method: clinical testing. Allele origin: germline.
Comment: This sequence change replaces isoleucine, which is neutral and non-polar, with valine, which is neutral and non-polar, at codon 191 of the EFEMP1 protein (p.Ile191Val). This variant is not present in population databases (gnomAD no frequency). This variant has not been reported in the literature in individuals affected with EFEMP1-related conditions. ClinVar contains an entry for this variant (Variation ID: 850570). Advanced modeling of protein sequence and biophysical properties (such as structural, functional, and spatial information, amino acid conservation, physicochemical variation, residue mobility, and thermodynamic stability) performed at Invitae indicates that this missense variant is not expected to disrupt EFEMP1 protein function with a negative predictive value of 80%. In summary, the available evidence is currently insufficient to determine the role of this variant in disease. Therefore, it has been classified as a Variant of Uncertain Significance.

NM_001039348.3(EFEMP1):c.571A>G (p.Ile191Val)

Gene: EFEMP1 (EGF-like fibulin extracellular matrix protein 1; minus strand). Cytogenetic location: 2p16.1.
Variant type: single nucleotide variant.
Coding change: c.571A>G on transcript NM_001039348.3 (MANE Select); coding-DNA position 571, A replaced by G.
Protein change: p.Ile191Val; replaces isoleucine 191 with valine.
Molecular consequence: missense variant.
Genome position (GRCh38, 1-based): chr2:55,881,681, T>C on the plus strand (A>G on the coding strand, the complement: EFEMP1 is on the minus strand). VCF-style: chr2-55881681-T-C. GRCh37 (hg19) VCF-style: chr2-56108816-T-C.
Other names: c.571A>G, p.Ile191Val (NM_001039349.3); short protein forms I191V.
Identifiers: ClinVar variation 850570 (VCV000850570.9), dbSNP rs967298053, ClinGen allele CA48124338.
Genomic context (GRCh38, chr2:55,881,681, plus strand): 5'-GCTCCCCTCGCTTCTGATATCCAGGAGGGCACTGACATGCAAAGGATCCCCGTAAATTGA[T>C]GCACACTTGGTCTGCTCTACAGTTGTGCGTCCCTGCAGTGCACTCGTCTATGTCTGTCAG-3'
Protein context (NP_001034437.1, residues 181-201): THNCRADQVC[Ile191Val]NLRGSFACQC